The following is an entry in ClinVar:

ClinVar aggregate classification (germline): Uncertain significance (1 of 4 stars; one submission).

Conditions:
Intellectual developmental disorder, autosomal dominant 76. Identifiers: MedGen C6012756, MONDO:0979575, OMIM 621285.

gnomAD v4.1: 31 of 1,579,636 alleles (0.002%); highest among the groups gnomAD compares: East Asian, 0.0046%; no homozygotes.

Submission:

Dasa
Classification: Uncertain significance for Intellectual developmental disorder, autosomal dominant 76. Last evaluated: 2026-01-02. Review status: criteria provided, single submitter. Criteria: DASA Assertion Criteria. Collection method: clinical testing. Allele origin: germline.
Comment: NM_001039469.3(MARK2):c.1667C>T (p.Pro556Leu) is a missense variant that results in the substitution of proline with leucine. This variant is rare in population databases. Computational prediction algorithms are consistent with a benign effect. The currently available literature and clinical evidence are not sufficient to establish a definitive association between this variant and the reported condition. Therefore, this variant is classified as a variant of uncertain significance.

NM_001039469.3(MARK2):c.1667C>T (p.Pro556Leu)

Gene: MARK2 (microtubule affinity regulating kinase 2; plus strand). Cytogenetic location: 11q13.1.
Variant type: single nucleotide variant.
Coding change: c.1667C>T on transcript NM_001039469.3 (MANE Select); coding-DNA position 1667, C replaced by T.
Protein change: p.Pro556Leu; replaces proline 556 with leucine.
Molecular consequence: missense variant. On other transcripts: intron variant (3).
Genome position (GRCh38, 1-based): chr11:63,904,138, C>T. VCF-style: chr11-63904138-C-T. GRCh37 (hg19) VCF-style: chr11-63671610-C-T.
Other names: c.1565C>T, p.Pro522Leu (NM_017490.4); c.1515-648C>T (NM_001163296.2); c.1512-648C>T (NM_004954.5, NM_001163297.2); short protein forms P522L, P556L.
Identifiers: ClinVar variation 4882601 (VCV004882601.2).